The following is an entry in ClinVar:

NM_000302.4(PLOD1):c.358G>T (p.Ala120Ser)

Gene: PLOD1 (procollagen-lysine,2-oxoglutarate 5-dioxygenase 1; plus strand). Cytogenetic location: 1p36.22.
Variant type: single nucleotide variant.
Coding change: c.358G>T on transcript NM_000302.4 (MANE Select); coding-DNA position 358, G replaced by T.
Protein change: p.Ala120Ser; replaces alanine 120 with serine.
Molecular consequence: missense variant.
Genome position (GRCh38, 1-based): chr1:11,950,412, G>T. VCF-style: chr1-11950412-G-T. GRCh37 (hg19) VCF-style: chr1-12010469-G-T.
Other names: c.499G>T, p.Ala167Ser (NM_001316320.2); short protein forms A120S, A167S.
Identifiers: ClinVar variation 255804 (VCV000255804.74), dbSNP rs2273285, ClinGen allele CA597884.
Genomic context (GRCh38, chr1:11,950,412, plus strand): 5'-CACAGCTATGACGTGCTGTTTGCATCGGGGCCCCGGGAGCTCCTGAAGAAGTTCCGGCAG[G>T]CCAGGAGCCAGGTGGTCTTCTCTGCTGAGGAGCTCATCTACCCAGACCGCAGGCTGGAGA-3'
Protein context (NP_000293.2, residues 110-130): PRELLKKFRQ[Ala120Ser]RSQVVFSAEE

ClinVar aggregate classification (germline): Benign/Likely benign. Review status: criteria provided, multiple submitters, no conflicts (2 of 4 stars). 14 submissions from 14 submitters: Benign (10); Likely benign (1). 3 of the submissions do not count toward it. Last evaluated 2026-02-04.

Conditions:
Familial thoracic aortic aneurysm and aortic dissection (TAAD). Also called: Thoracic aortic aneurysms and dissections. Identifiers: Orphanet 91387, MedGen C4707243, MONDO:0019625.
Ehlers-Danlos syndrome, kyphoscoliotic type 1 (EDSKSCL1). Also called: Ehlers-Danlos syndrome, hydroxylysine-deficient; EHLERS-DANLOS SYNDROME, OCULAR-SCOLIOTIC TYPE; PLOD1-Related Kyphoscoliotic Ehlers-Danlos Syndrome; EHLERS-DANLOS SYNDROME, TYPE VIA. Identifiers: Orphanet 1900, MedGen C0268342, MONDO:0016002, OMIM 225400. Disease mechanism: loss of function.

Allele frequency attached by ClinVar (database versions not stated): gnomAD exomes 0.08453 and 0.08669; ExAC 0.09190; gnomAD 0.13670 and 0.14145; 1000 Genomes Project 0.14477; TOPMed 0.14543; 1000 Genomes Project 30x 0.14928; ESP Exome Variant Server 0.15224.
gnomAD v4.1: 144,992 of 1,613,908 alleles (9%); highest among the groups gnomAD compares: African/African-American, 29%; 8,364 homozygotes.

Submissions (14):

Labcorp Genetics (formerly Invitae), Labcorp
Classification: Benign for Ehlers-Danlos syndrome, kyphoscoliotic type 1. Last evaluated: 2026-02-04. Review status: criteria provided, single submitter. Criteria: Invitae Variant Classification Sherloc (09022015). Collection method: clinical testing. Allele origin: germline.

ARUP Laboratories, Molecular Genetics and Genomics, ARUP Laboratories
Classification: Benign for Ehlers-Danlos syndrome, kyphoscoliotic type 1. Last evaluated: 2025-07-23. Review status: criteria provided, single submitter. Criteria: ARUP Molecular Germline Variant Investigation Process 2024. Collection method: clinical testing. Allele origin: germline.

Molecular Diagnostic Laboratory for Inherited Cardiovascular Disease, Montreal Heart Institute
Classification: Benign. Last evaluated: 2025-04-09. Review status: criteria provided, single submitter. Criteria: ACMG Guidelines, 2015. Collection method: clinical testing. Allele origin: germline. Affected: no.

Blueprint Genetics
Classification: Benign. Last evaluated: 2024-11-26. Review status: criteria provided, single submitter. Criteria: ACMG Guidelines, 2015. Collection method: clinical testing. Allele origin: germline.

Women's Health and Genetics/Laboratory Corporation of America, LabCorp
Classification: Likely benign. Last evaluated: 2023-04-09. Review status: criteria provided, single submitter. Criteria: LabCorp Variant Classification Summary - May 2015. Collection method: clinical testing. Allele origin: germline.

Mayo Clinic Laboratories, Mayo Clinic
Classification: Benign. Last evaluated: 2019-03-13. Review status: criteria provided, single submitter. Criteria: ACMG Guidelines, 2015. Collection method: clinical testing. Allele origin: germline. Observed: 838 variant alleles.

Illumina Laboratory Services, Illumina
Classification: Benign for Ehlers-Danlos syndrome, kyphoscoliotic type 1. Last evaluated: 2018-01-13. Review status: criteria provided, single submitter. Criteria: ICSL Variant Classification Criteria 13 December 2019. Collection method: clinical testing. Allele origin: germline.
Comment: This variant was observed in the ICSL laboratory as part of a predisposition screen in an ostensibly healthy population. It had not been previously curated by ICSL or reported in the Human Gene Mutation Database (HGMD: prior to June 1st, 2018), and was therefore a candidate for classification through an automated scoring system. Utilizing variant allele frequency, disease prevalence and penetrance estimates, and inheritance mode, an automated score was calculated to assess if this variant is too frequent to cause the disease. Based on the score and internal cut-off values, a variant classified as benign is not then subjected to further curation. The score for this variant resulted in a classification of benign for this disease.

GeneDx
Classification: Benign. Last evaluated: 2016-10-05. Review status: criteria provided, single submitter. Criteria: GeneDx Variant Classification (06012015). Collection method: clinical testing. Allele origin: germline. Affected: yes.
Comment: This variant is considered likely benign or benign based on one or more of the following criteria: it is a conservative change, it occurs at a poorly conserved position in the protein, it is predicted to be benign by multiple in silico algorithms, and/or has population frequency not consistent with disease.

Ambry Genetics
Classification: Benign for Familial thoracic aortic aneurysm and aortic dissection. Last evaluated: 2015-01-29. Review status: criteria provided, single submitter. Criteria: Ambry Variant Classification Scheme 2023. Collection method: clinical testing. Allele origin: germline.

Breakthrough Genomics
Classification: Benign. Review status: criteria provided, single submitter. Criteria: ACMG Guidelines, 2015. Collection method: not provided. Allele origin: germline. Inheritance: Autosomal recessive inheritance. Affected: yes.

PreventionGenetics, part of Exact Sciences
Classification: Benign. Review status: criteria provided, single submitter. Criteria: ACMG Guidelines, 2015. Collection method: clinical testing. Allele origin: germline.

Clinical Genetics DNA and cytogenetics Diagnostics Lab, Erasmus MC, Erasmus Medical Center
Classification: Benign. Review status: no assertion criteria provided. Collection method: clinical testing. Allele origin: germline. Affected: yes. Study: VKGL Data-share Consensus. Not counted in ClinVar's aggregate classification.

Genome Diagnostics Laboratory, Amsterdam University Medical Center
Classification: Benign. Review status: no assertion criteria provided. Collection method: clinical testing. Allele origin: germline. Affected: yes. Study: VKGL Data-share Consensus. Not counted in ClinVar's aggregate classification.

Joint Genome Diagnostic Labs from Nijmegen and Maastricht, Radboudumc and MUMC+
Classification: Benign. Review status: no assertion criteria provided. Collection method: clinical testing. Allele origin: germline. Affected: yes. Study: VKGL Data-share Consensus. Not counted in ClinVar's aggregate classification.